The following is an entry in ClinVar:

NM_000179.3(MSH6):c.1870G>C (p.Gly624Arg)

Gene: MSH6 (mutS homolog 6; plus strand). Cytogenetic location: 2p16.3.
Variant type: single nucleotide variant.
Coding change: c.1870G>C on transcript NM_000179.3 (MANE Select); coding-DNA position 1870, G replaced by C.
Protein change: p.Gly624Arg; replaces glycine 624 with arginine.
Molecular consequence: missense variant. On other transcripts: non-coding transcript variant (5), intron variant (2).
Genome position (GRCh38, 1-based): chr2:47,799,853, G>C. VCF-style: chr2-47799853-G-C. GRCh37 (hg19) VCF-style: chr2-48026992-G-C.
Other names: c.1966G>C, p.Gly656Arg (NM_001406795.1, NM_001406802.1); c.1870G>C, p.Gly624Arg (NM_001406796.1, NM_001406798.1, NM_001406800.1 and 3 more transcripts); c.1573G>C, p.Gly525Arg (NM_001406797.1, NM_001406801.1, NM_001406818.1 and 10 more transcripts); c.1345G>C, p.Gly449Arg (NM_001406799.1, NM_001406806.1, NM_001406807.1); c.1480G>C, p.Gly494Arg (NM_001281492.2); c.964G>C, p.Gly322Arg (NM_001281493.2, NM_001281494.2, NM_001406815.1 and 6 more transcripts); c.1702G>C, p.Gly568Arg (NM_001406826.1); c.1606+264G>C (NM_001406817.1); and 3 more; short protein forms G525R, G626R, G322R, G494R, G568R, G598R, G624R, G449R.
Identifiers: ClinVar variation 3633941 (VCV003633941.2).
Genomic context (GRCh38, chr2:47,799,853, plus strand): 5'-GAAACTAAAACAATTCTAAAGAGTTCATTGTCCTGTTCTCTTCAGGAAGGTCTGATACCC[G>C]GCTCCCAGTTTTGGGATGCATCCAAAACTTTGAGAACTCTCCTTGAGGAAGAATATTTTA-3'
Protein context (NP_000170.1, residues 614-634): SCSLQEGLIP[Gly624Arg]SQFWDASKTL

ClinVar aggregate classification (germline): Uncertain significance (1 of 4 stars; one submission).

Conditions:
Hereditary nonpolyposis colorectal neoplasms. Identifiers: MedGen C0009405, MeSH D003123.

Submission:

Labcorp Genetics (formerly Invitae), Labcorp
Classification: Uncertain significance for Hereditary nonpolyposis colorectal neoplasms. Last evaluated: 2024-07-25. Review status: criteria provided, single submitter. Criteria: Invitae Variant Classification Sherloc (09022015). Collection method: clinical testing. Allele origin: germline.
Comment: This sequence change replaces glycine, which is neutral and non-polar, with arginine, which is basic and polar, at codon 624 of the MSH6 protein (p.Gly624Arg). This variant is not present in population databases (gnomAD no frequency). This variant has not been reported in the literature in individuals affected with MSH6-related conditions. Advanced modeling of protein sequence and biophysical properties (such as structural, functional, and spatial information, amino acid conservation, physicochemical variation, residue mobility, and thermodynamic stability) performed at Invitae indicates that this missense variant is not expected to disrupt MSH6 protein function with a negative predictive value of 95%. In summary, the available evidence is currently insufficient to determine the role of this variant in disease. Therefore, it has been classified as a Variant of Uncertain Significance.